The following is an entry in ClinVar:

ClinVar aggregate classification (germline): Conflicting classifications of pathogenicity. Review status: criteria provided, conflicting classifications (1 of 4 stars). 13 submissions from 13 submitters: Uncertain significance (1); Benign (7); Likely benign (5). Last evaluated 2026-07-08.

Conditions:
Coffin-Siris syndrome. Identifiers: Orphanet 1465, MedGen C0265338, MONDO:0015452.
Intellectual disability, autosomal dominant 16 (CSS4). Also called: COFFIN-SIRIS SYNDROME 4. Identifiers: Orphanet 1465, MedGen C3553249, MONDO:0013821, OMIM 614609.
Rhabdoid tumor predisposition syndrome 2 (RTPS2). Identifiers: Orphanet 231108, Orphanet 69077, MedGen C2750074, MONDO:0013224, OMIM 613325.
Hereditary cancer-predisposing syndrome. Also called: Neoplastic Syndromes, Hereditary; Tumor predisposition; Hereditary Cancer Syndrome; Hereditary neoplastic syndrome. Identifiers: Orphanet 140162, MedGen C0027672, MeSH D009386, MONDO:0015356.

Allele frequency attached by ClinVar (database versions not stated): gnomAD 0.00066 and 0.00064; gnomAD exomes 0.00039; TOPMed 0.00049; ESP Exome Variant Server 0.00023.
gnomAD v4.1: 669 of 1,613,732 alleles (0.041%); highest among the groups gnomAD compares: Non-Finnish European, 0.043%; 2 homozygotes.

Submissions (13):

Myriad Genetics, Inc.
Classification: Benign for Rhabdoid tumor predisposition syndrome 2. Last evaluated: 2026-07-08. Review status: criteria provided, single submitter. Criteria: Myriad Autosomal Dominant, Autosomal Recessive and X-Linked Classification Criteria (2023). Collection method: clinical testing. Allele origin: unknown.
Comment: This variant is considered benign. This variant is intronic and is not expected to impact mRNA splicing. This variant has been observed at a population frequency that is significantly greater than expected given the associated disease prevalence and penetrance.

CeGaT Center for Human Genetics Tuebingen
Classification: Likely benign. Last evaluated: 2026-05-01. Review status: criteria provided, single submitter. Criteria: CeGaT Center For Human Genetics Tuebingen Variant Classification Criteria Version 2. Collection method: clinical testing. Allele origin: germline. Affected: yes. Observed: 10 variant alleles.
Comment: SMARCA4: BP4, BS2

Labcorp Genetics (formerly Invitae), Labcorp
Classification: Benign for Rhabdoid tumor predisposition syndrome 2. Last evaluated: 2026-02-03. Review status: criteria provided, single submitter. Criteria: Invitae Variant Classification Sherloc (09022015). Collection method: clinical testing. Allele origin: germline.

Laboratory of Genetics, Children's Clinical University Hospital Latvia
Classification: Benign. Last evaluated: 2025-02-16. Review status: criteria provided, single submitter. Criteria: ACMG Guidelines, 2015. Collection method: clinical testing. Allele origin: germline. Affected: yes.

Blueprint Genetics
Classification: Likely benign. Last evaluated: 2024-11-28. Review status: criteria provided, single submitter. Criteria: ACMG Guidelines, 2015. Collection method: clinical testing. Allele origin: germline.

Institute for Clinical Genetics, University Hospital TU Dresden, University Hospital TU Dresden
Classification: Uncertain significance. Last evaluated: 2021-11-03. Review status: criteria provided, single submitter. Criteria: ACMG Guidelines, 2015. Collection method: clinical testing. Allele origin: germline.

Genome-Nilou Lab
Classification: Benign for Intellectual disability, autosomal dominant 16. Last evaluated: 2021-07-15. Review status: criteria provided, single submitter. Criteria: ACMG Guidelines, 2015. Collection method: clinical testing. Allele origin: germline. Affected: no.

Quest Diagnostics Nichols Institute San Juan Capistrano
Classification: Benign. Last evaluated: 2021-05-12. Review status: criteria provided, single submitter. Criteria: Quest Diagnostics criteria. Collection method: clinical testing. Allele origin: unknown.

GeneDx
Classification: Likely benign. Last evaluated: 2021-01-07. Review status: criteria provided, single submitter. Criteria: GeneDx Variant Classification Process June 2021. Collection method: clinical testing. Allele origin: germline. Affected: yes.

Sema4
Classification: Benign for Hereditary cancer-predisposing syndrome. Last evaluated: 2020-11-12. Review status: criteria provided, single submitter. Criteria: Sema4 Curation Guidelines. Collection method: curation. Allele origin: germline.

Ambry Genetics
Classification: Likely benign for Hereditary cancer-predisposing syndrome. Last evaluated: 2018-09-05. Review status: criteria provided, single submitter. Criteria: Ambry Variant Classification Scheme 2023. Collection method: clinical testing. Allele origin: germline.

Illumina Laboratory Services, Illumina
Classification: Benign for Coffin-Siris syndrome. Last evaluated: 2018-01-13. Review status: criteria provided, single submitter. Criteria: ICSL Variant Classification Criteria 13 December 2019. Collection method: clinical testing. Allele origin: germline.
Comment: This variant was observed in the ICSL laboratory as part of a predisposition screen in an ostensibly healthy population. It had not been previously curated by ICSL or reported in the Human Gene Mutation Database (HGMD: prior to June 1st, 2018), and was therefore a candidate for classification through an automated scoring system. Utilizing variant allele frequency, disease prevalence and penetrance estimates, and inheritance mode, an automated score was calculated to assess if this variant is too frequent to cause the disease. Based on the score and internal cut-off values, a variant classified as benign is not then subjected to further curation. The score for this variant resulted in a classification of benign for this disease.

Genetic Services Laboratory, University of Chicago
Classification: Likely benign. Last evaluated: 2015-12-21. Review status: criteria provided, single submitter. Criteria: ACMG Guidelines, 2015. Collection method: clinical testing. Allele origin: germline. Affected: no.

NM_003072.5(SMARCA4):c.223-5C>T

Gene: SMARCA4 (SWI/SNF related BAF chromatin remodeling complex subunit ATPase 4; plus strand). Cytogenetic location: 19p13.2.
Variant type: single nucleotide variant.
Coding change: c.223-5C>T on transcript NM_003072.5 (MANE Select); 5 bases into the intron before coding-DNA position 223, C replaced by T.
Molecular consequence: intron variant.
Genome position (GRCh38, 1-based): chr19:10,985,268, C>T. VCF-style: chr19-10985268-C-T. GRCh37 (hg19) VCF-style: chr19-11095944-C-T.
Other names: c.223-5C>T (NM_001128844.3, NM_001128849.3, NM_001128847.4 and 5 more transcripts).
Identifiers: ClinVar variation 212239 (VCV000212239.74), dbSNP rs376775933, ClinGen allele CA206141.
Genomic context (GRCh38, chr19:10,985,268, plus strand): 5'-GCATAGCTGCGCTGCCACCTCACGTTCCACATGCTGACCCTGCCTTGCCATGGTCCCTCT[C>T]GCAGCCCATGGAGTCCATGCATGAGAAGGGCATGTCGGACGACCCGCGCTACAACCAGAT-3'